The following is an entry in ClinVar:

NM_003743.5(NCOA1):c.444G>C (p.Gln148His)

Gene: NCOA1 (nuclear receptor coactivator 1; plus strand). Cytogenetic location: 2p23.3.
Variant type: single nucleotide variant.
Coding change: c.444G>C on transcript NM_003743.5 (MANE Select); coding-DNA position 444, G replaced by C.
Protein change: p.Gln148His; replaces glutamine 148 with histidine.
Molecular consequence: missense variant.
Genome position (GRCh38, 1-based): chr2:24,683,040, G>C. VCF-style: chr2-24683040-G-C. GRCh37 (hg19) VCF-style: chr2-24905909-G-C.
Other names: c.444G>C, p.Gln148His (NM_001362950.1, NM_001362952.1, NM_001362954.1 and 3 more transcripts); short protein forms Q148H.
Identifiers: ClinVar variation 4995785 (VCV004995785.1).

ClinVar aggregate classification (germline): Uncertain significance (1 of 4 stars; one submission).

Conditions:
NCOA1-related disorder. Also called: NCOA1-related condition.

Submission:

PreventionGenetics, part of Exact Sciences
Classification: Uncertain significance for NCOA1-related condition. Last evaluated: 2025-09-09. Review status: criteria provided, single submitter. Criteria: ACMG Guidelines, 2015. Collection method: clinical testing. Allele origin: germline.
Comment: The NCOA1 c.444G>C variant is predicted to result in the amino acid substitution p.Gln148His. To our knowledge, this variant has not been reported in the literature or in a large population database (gnomAD), indicating this variant is rare. At this time, the clinical significance of this variant is uncertain due to the absence of conclusive functional and genetic evidence.